The following is an entry in ClinVar:

ClinVar aggregate classification (germline): Uncertain significance (1 of 4 stars; one submission).

Conditions:
Myofibrillar myopathy 3 (MFM3). Also called: Muscular dystrophy, proximal, type 1A; Autosomal dominant spheroid body myopathy. Identifiers: Orphanet 266, Orphanet 268129, MedGen C3714934, MONDO:0012215, OMIM 609200.

Submission:

Labcorp Genetics (formerly Invitae), Labcorp
Classification: Uncertain significance for Myofibrillar myopathy 3. Last evaluated: 2025-06-20. Review status: criteria provided, single submitter. Criteria: Invitae Variant Classification Sherloc (09022015). Collection method: clinical testing. Allele origin: germline.
Comment: This sequence change replaces lysine, which is basic and polar, with asparagine, which is neutral and polar, at codon 184 of the MYOT protein (p.Lys184Asn). This variant is not present in population databases (gnomAD no frequency). This variant has not been reported in the literature in individuals affected with MYOT-related conditions. ClinVar contains an entry for this variant (Variation ID: 1382936). Invitae Evidence Modeling of protein sequence and biophysical properties (such as structural, functional, and spatial information, amino acid conservation, physicochemical variation, residue mobility, and thermodynamic stability) indicates that this missense variant is not expected to disrupt MYOT protein function with a negative predictive value of 80%. In summary, the available evidence is currently insufficient to determine the role of this variant in disease. Therefore, it has been classified as a Variant of Uncertain Significance.

NM_006790.3(MYOT):c.552G>C (p.Lys184Asn)

Genes: PKD2L2-DT (PKD2L2 divergent transcript; minus strand), MYOT (myotilin; plus strand). Cytogenetic location: 5q31.2.
Variant type: single nucleotide variant.
Coding change: c.552G>C on transcript NM_006790.3 (MANE Select); coding-DNA position 552, G replaced by C.
Protein change: p.Lys184Asn; replaces lysine 184 with asparagine.
Molecular consequence: missense variant. On other transcripts: 5 prime UTR variant (1).
Genome position (GRCh38, 1-based): chr5:137,877,540, G>C. VCF-style: chr5-137877540-G-C. GRCh37 (hg19) VCF-style: chr5-137213229-G-C.
Other names: c.-1G>C (NM_001135940.2); c.207G>C, p.Lys69Asn (NM_001300911.2); short protein forms K69N, K184N.
Identifiers: ClinVar variation 1382936 (VCV001382936.6), dbSNP rs2149983161, ClinGen allele CA361054605.
Genomic context (GRCh38, chr5:137,877,540, plus strand): 5'-TTTATTAAATCTAATTACTGTCTCAATAAATTCTCTAAAGCGTCTAACATATGAAGAGAA[G>C]ATGGCTCGCAGATTGCTAGGACCACAGAATGCAGCTGCTGTGTTTCAAGCTCAGGATGAC-3'
Protein context (NP_006781.1, residues 174-194): NGNQRLTYEE[Lys184Asn]MARRLLGPQN